The following is an entry in ClinVar:

NM_031471.6(FERMT3):c.683+18G>A

Gene: FERMT3 (FERM domain containing kindlin 3; plus strand). Cytogenetic location: 11q13.1.
Variant type: single nucleotide variant.
Coding change: c.683+18G>A on transcript NM_031471.6 (MANE Select); 18 bases into the intron after coding-DNA position 683, G replaced by A.
Molecular consequence: intron variant.
Genome position (GRCh38, 1-based): chr11:64,211,461, G>A. VCF-style: chr11-64211461-G-A. GRCh37 (hg19) VCF-style: chr11-63978933-G-A.
Other names: c.683+18G>A (NM_001382448.1, NM_178443.3, NM_001382362.1 and 2 more transcripts); c.143+18G>A (NM_001382364.1, NM_001382363.1).
Identifiers: ClinVar variation 1132784 (VCV001132784.10), dbSNP rs369707009, ClinGen allele CA6068840.

ClinVar aggregate classification (germline): Likely benign. Review status: criteria provided, multiple submitters, no conflicts (2 of 4 stars). 3 submissions from 3 submitters: Likely benign (3). Last evaluated 2025-10-29.

Conditions:
Leukocyte adhesion deficiency 3. Also called: Leukocyte adhesion deficiency, type III; INTEGRIN ACTIVATION DEFICIENCY DISEASE; LEUKOCYTE ADHESION DEFICIENCY 1 VARIANT. Identifiers: Orphanet 2968, Orphanet 99844, MedGen C2748536, MONDO:0013016, OMIM 612840.

Allele frequency attached by ClinVar (database versions not stated): gnomAD exomes 0.00005 and 0.00006; ExAC 0.00011; ESP Exome Variant Server 0.00023; gnomAD 0.00033 and 0.00034; TOPMed 0.00036; 1000 Genomes Project 30x 0.00062; 1000 Genomes Project 0.00080.

Submissions (3):

Labcorp Genetics (formerly Invitae), Labcorp
Classification: Likely benign for Leukocyte adhesion deficiency 3. Last evaluated: 2025-10-29. Review status: criteria provided, single submitter. Criteria: Invitae Variant Classification Sherloc (09022015). Collection method: clinical testing. Allele origin: germline.

Blueprint Genetics
Classification: Likely benign. Last evaluated: 2024-06-17. Review status: criteria provided, single submitter. Criteria: ACMG Guidelines, 2015. Collection method: clinical testing. Allele origin: germline.

Women's Health and Genetics/Laboratory Corporation of America, LabCorp
Classification: Likely benign. Last evaluated: 2023-09-26. Review status: criteria provided, single submitter. Criteria: LabCorp Variant Classification Summary - May 2015. Collection method: clinical testing. Allele origin: germline.
Comment: Variant summary: FERMT3 c.683+18G>A alters a nucleotide located at a position not widely known to affect splicing. Consensus agreement among computation tools predict no significant impact on normal splicing. However, these predictions have yet to be confirmed by functional studies. The variant allele was found at a frequency of 5.6e-05 in 179042 control chromosomes. To our knowledge, no occurrence of c.683+18G>A in individuals affected with Leukocyte Adhesion Deficiency, Type III and no experimental evidence demonstrating its impact on protein function have been reported. One submitter has cited clinical-significance assessments for this variant to ClinVar after 2014 and has classified the variant as likely benign. Based on the evidence outlined above, the variant was classified as likely benign.